The following is an entry in ClinVar:

NM_005732.4(RAD50):c.1794C>A (p.Asn598Lys)

Gene: RAD50 (RAD50 double strand break repair protein; plus strand). Cytogenetic location: 5q31.1.
Variant type: single nucleotide variant.
Coding change: c.1794C>A on transcript NM_005732.4 (MANE Select); coding-DNA position 1794, C replaced by A.
Protein change: p.Asn598Lys; replaces asparagine 598 with lysine.
Molecular consequence: missense variant.
Genome position (GRCh38, 1-based): chr5:132,594,869, C>A. VCF-style: chr5-132594869-C-A. GRCh37 (hg19) VCF-style: chr5-131930561-C-A.
Other names: short protein forms N598K.
Identifiers: ClinVar variation 3429492 (VCV003429492.1).
Genomic context (GRCh38, chr5:132,594,869, plus strand): 5'-AAATTTTCAAACTAATTTCTCCTATTTTAAAATGAAAATCCATATTTGCTCTTATTTTAG[C>A]AAGGAACTAGCTTCATCTGAGCAGAATAAAAATCATATAAATAATGAACTAAAAAGAAAG-3'
Protein context (NP_005723.2, residues 588-608): NQTRDRLAKL[Asn598Lys]KELASSEQNK

ClinVar aggregate classification (germline): Uncertain significance (1 of 4 stars; one submission).

Conditions:
Hereditary cancer-predisposing syndrome. Also called: Neoplastic Syndromes, Hereditary; Tumor predisposition; Hereditary Cancer Syndrome; Hereditary neoplastic syndrome. Identifiers: Orphanet 140162, MedGen C0027672, MeSH D009386, MONDO:0015356.

Submission:

Ambry Genetics
Classification: Uncertain significance for Hereditary cancer-predisposing syndrome. Last evaluated: 2024-09-01. Review status: criteria provided, single submitter. Criteria: Ambry Variant Classification Scheme 2023. Collection method: clinical testing. Allele origin: germline.
Comment: The p.N598K variant (also known as c.1794C>A) is located in coding exon 12 of the RAD50 gene. The asparagine at codon 598 is replaced by lysine, an amino acid with similar properties. This change occurs in the first base pair of coding exon 12. This amino acid position is conserved. In addition, this alteration is predicted to be tolerated by in silico analysis. Based on the available evidence, the clinical significance of this variant remains unclear.